The following is an entry in ClinVar:

ClinVar aggregate classification (germline): Pathogenic. Review status: practice guideline (4 of 4 stars). 24 submissions from 22 submitters: Pathogenic (1). 23 of the submissions do not count toward it. Last evaluated 2004-03-03.

Conditions:
Cystic fibrosis diagnostic test.
CFTR-related disorder (CFTR-RD). Also called: CFTR-related condition; CFTR-related disorders. Identifiers: MedGen C5924204, MONDO:7770004.
Cystic fibrosis (CF). Also called: MUCOVISCIDOSIS. Identifiers: Orphanet 586, MedGen C0010674, MONDO:0009061, OMIM 219700. Disease mechanism: loss of function.
Congenital bilateral aplasia of vas deferens from CFTR mutation (CBAVD). Identifiers: Orphanet 48, MedGen C0403814, MONDO:0010178, OMIM 277180. Disease mechanism: loss of function.
Hereditary pancreatitis (PCTT). Also called: PRSS1-Related Hereditary Pancreatitis; Hereditary chronic pancreatitis. Identifiers: Orphanet 676, MedGen C0238339, MONDO:0008185, OMIM 167800.
Bronchiectasis with or without elevated sweat chloride 1 (BESC1). Also called: Cystic Fibrosis-Like Syndrome. Identifiers: Orphanet 60033, MedGen C2749757, MONDO:0008887, OMIM 211400.

Allele frequency attached by ClinVar (database versions not stated): ExAC 0.00001; gnomAD 0.00002; gnomAD exomes 0.00002; TOPMed 0.00003.
gnomAD v4.1: 102 of 1,554,748 alleles (0.0066%); highest among the groups gnomAD compares: Non-Finnish European, 0.0079%; no homozygotes.

Submissions 1 to 11 of 24:

American College of Medical Genetics and Genomics  (ACMG)
Classification: Pathogenic for Cystic fibrosis. Last evaluated: 2004-03-03. Review status: practice guideline. Criteria: Guideline for cystic fibrosis carrier screening. Collection method: curation. Allele origin: germline. Inheritance: Autosomal recessive inheritance. Study: The ACMG recommended carrier screening panel.
ClinVar note: Converted during submission from pathogenic to Pathogenic.

CFTR2
Classification: Pathogenic for Cystic fibrosis. Last evaluated: 2017-03-17. Review status: reviewed by expert panel. Criteria: Sosnay PR et al. (Nat Genet 2013). Collection method: research. Allele origin: germline. Affected: yes. Study: CFTR2. Not counted in ClinVar's aggregate classification.

PreventionGenetics, part of Exact Sciences
Classification: Pathogenic for CFTR-related condition. Last evaluated: 2026-05-21. Review status: criteria provided, single submitter. Criteria: ACMG Guidelines, 2015. Collection method: clinical testing. Allele origin: germline. Not counted in ClinVar's aggregate classification.
Comment: The CFTR c.1679G>C variant is predicted to result in the amino acid substitution p.Arg560Thr. This variant has been reported in numerous individuals with cystic fibrosis and is the most common cystic fibrosis mutation in the Northern Irish population (Kerem et al. 1990. PubMed ID: 2236053; Castellani et al. 2008. PubMed ID: 18456578). In vitro functional studies have shown that this variant affects CFTR protein processing and chloride channel function (Van Goor et al. 2014. PubMed ID: 23891399). This variant occurs at the last nucleotide of exon 12 and is predicted to affect splicing (SpliceAI, Jaganathan et al. 2019. PubMed ID: 30661751). Alternate nucleotide changes affecting the same amino acid (p.Arg560Gly, p.Arg560Lys, p.Arg560Ser) have been reported to be pathogenic (Alonso et al. 2006. PubMed ID: 17331079; Ferec et al. 1992. PubMed ID: 1284639; Liechti et al. 1999. PubMed ID: 10439967; Van Goor et al. 2014. PubMed ID: 23891399). This variant is reported in 0.0053% of alleles in individuals of European (Non-Finnish) descent in gnomAD. This variant is interpreted as pathogenic.

NHS Central & South Genomic Laboratory Hub
Classification: Pathogenic for Cystic fibrosis diagnostic test. Last evaluated: 2026-04-22. Review status: criteria provided, single submitter. Criteria: ACMG Guidelines, 2015. Collection method: clinical testing. Allele origin: germline. Affected: yes. Not counted in ClinVar's aggregate classification.

Labcorp Genetics (formerly Invitae), Labcorp
Classification: Pathogenic for Cystic fibrosis. Last evaluated: 2026-01-24. Review status: criteria provided, single submitter. Criteria: Invitae Variant Classification Sherloc (09022015). Collection method: clinical testing. Allele origin: germline. Not counted in ClinVar's aggregate classification.
Comment: This sequence change replaces arginine, which is basic and polar, with threonine, which is neutral and polar, at codon 560 of the CFTR protein (p.Arg560Thr). This variant is present in population databases (rs80055610, gnomAD 0.005%). This missense change has been observed in individual(s) with cystic fibrosis (PMID: 15371902, 23974870). In at least one individual the data is consistent with being in trans (on the opposite chromosome) from a pathogenic variant. ClinVar contains an entry for this variant (Variation ID: 7113). An algorithm developed to predict the effect of missense changes on protein structure and function (PolyPhen-2) suggests that this variant is likely to be disruptive. Experimental studies have shown that this missense change affects CFTR function (PMID: 23974870). Algorithms developed to predict the effect of sequence changes on RNA splicing suggest that this variant may disrupt the consensus splice site. For these reasons, this variant has been classified as Pathogenic.

Natera, Inc.
Classification: Pathogenic for CFTR-related disorders. Last evaluated: 2025-08-27. Review status: criteria provided, single submitter. Criteria: Natera Variant Classification Schema (03/2026). Collection method: clinical testing. Allele origin: germline. Not counted in ClinVar's aggregate classification.
Comment: The c.1679G>C variant in CFTR is a missense variant predicted to cause substitution of arginine to threonine at amino acid 560. This variant is rare in the general population with a frequency below the threshold expected for the associated phenotype(s). This variant has been observed in one or more individuals affected with the associated recessive disease, as either homozygous or compound heterozygous with a second variant (PMID: 23775370, 31162888, 34814176). Computational prediction algorithms indicate this variant is likely to affect gene or protein function. Given the available evidence, this variant is classified as Pathogenic.

ARUP Laboratories, Molecular Genetics and Genomics, ARUP Laboratories
Classification: Pathogenic for Cystic fibrosis. Last evaluated: 2024-07-22. Review status: criteria provided, single submitter. Criteria: ARUP Molecular Germline Variant Investigation Process 2024. Collection method: clinical testing. Allele origin: germline. Not counted in ClinVar's aggregate classification.
Comment: The CFTR c.1679G>C; p.Arg560Thr variant (rs80055610) is known to cause cystic fibrosis (CF) when combined with another CF-causing variant and is associated with pancreatic insufficiency (CFTR2 database, SickKids CFTR database, Watson 2004). This variant has been reported as pathogenic by several laboratories in ClinVar (Variation ID: 7113) and is observed on only six chromosomes (6/250518 alleles) in the Genome Aggregation Database. Functional analyses of this variant demonstrate mRNA splicing defects and a marked reduction in translation of mature CFTR protein (Kerem 1990, van Goor 2014). Based on available information, this variant is considered pathogenic. References: CFTR2 database: SickKids CFTR database: Kerem B et al. Identification of mutations in regions corresponding to the two putative nucleotide (ATP)-binding folds of the cystic fibrosis gene. Proc Natl Acad Sci U S A. 1990 Nov;87(21):8447-51. PMID: 2236053 van Goor F et al. Effect of ivacaftor on CFTR forms with missense mutations associated with defects in protein processing or function. J Cyst Fibros. 2014 Jan;13(1):29-36. PMID: 23891399 Watson M et al. Cystic fibrosis population carrier screening: 2004 revision of American College of Medical Genetics mutation panel. Genet Med. 2004 Sep-Oct;6(5):387-91. PMID: 15371902

Ambry Genetics
Classification: Pathogenic for Cystic fibrosis. Last evaluated: 2024-07-02. Review status: criteria provided, single submitter. Criteria: Ambry Variant Classification Scheme 2023. Collection method: clinical testing. Allele origin: germline. Not counted in ClinVar's aggregate classification.
Comment: The c.1679G>C pathogenic mutation (also known as p.R560T), located in coding exon 12 of the CFTR gene, results from a G to C substitution at nucleotide position 1679. The amino acid change results in arginine to threonine at codon 560, an amino acid with similar properties. However, this change occurs in the last base pair of coding exon 12, which makes it likely to have some effect on normal mRNA splicing. This pathogenic mutation was first reported in a cohort of individuals with cystic fibrosis (Kerem BS et al. Proc. Natl. Acad. Sci. U.S.A., 1990 Nov;87:8447-51). Functional in vitro studies found that cells carrying this pathogenic mutation had no to very little chloride conduction; in addition, this pathogenic mutation is associated with high sweat chloride levels and pancreatic insufficiency Sosnay PR et al. Nat. Genet., 2013 Oct;45:1160-7; Van Goor F et al. J. Cyst. Fibros., 2014 Jan;13:29-36). Based on the supporting evidence, this alteration is interpreted as a disease-causing mutation.

Fulgent Genetics
Classification: Pathogenic for Hereditary pancreatitis; Bronchiectasis with or without elevated sweat chloride 1; Cystic fibrosis; Congenital bilateral aplasia of vas deferens from CFTR mutation. Last evaluated: 2024-04-03. Review status: criteria provided, single submitter. Criteria: ACMG Guidelines, 2015. Collection method: clinical testing. Allele origin: germline. Not counted in ClinVar's aggregate classification.

Baylor Genetics
Classification: Pathogenic for Bronchiectasis with or without elevated sweat chloride 1. Last evaluated: 2024-03-30. Review status: criteria provided, single submitter. Criteria: ACMG Guidelines, 2015. Collection method: clinical testing. Allele origin: unknown. Not counted in ClinVar's aggregate classification.

Blueprint Genetics
Classification: Pathogenic for CFTR-related disorders. Last evaluated: 2023-12-18. Review status: criteria provided, single submitter. Criteria: ACMG Guidelines, 2015. Collection method: clinical testing. Allele origin: germline. Affected: yes. Observed: 5 variant alleles. Not counted in ClinVar's aggregate classification.

NM_000492.4(CFTR):c.1679G>C (p.Arg560Thr)

Genes: CFTR (CF transmembrane conductance regulator; plus strand), LOC111674475 (CFTR intron 11 enhancer; plus strand). Cytogenetic location: 7q31.2.
Variant type: single nucleotide variant.
Coding change: c.1679G>C on transcript NM_000492.4 (MANE Select); coding-DNA position 1679, G replaced by C.
Protein change: p.Arg560Thr; replaces arginine 560 with threonine.
Molecular consequence: missense variant.
Genome position (GRCh38, 1-based): chr7:117,587,833, G>C. VCF-style: chr7-117587833-G-C. GRCh37 (hg19) VCF-style: chr7-117227887-G-C.
Other names: short protein forms R560T.
Identifiers: ClinVar variation 7113 (VCV000007113.137), dbSNP rs80055610, ClinGen allele CA340633.